The following is an entry in ClinVar:

NM_001083619.3(GRIA2):c.2363G>T (p.Trp788Leu)

Gene: GRIA2 (glutamate ionotropic receptor AMPA type subunit 2; plus strand). Cytogenetic location: 4q32.1.
Variant type: single nucleotide variant.
Coding change: c.2363G>T on transcript NM_001083619.3 (MANE Select); coding-DNA position 2363, G replaced by T.
Protein change: p.Trp788Leu; replaces tryptophan 788 with leucine.
Molecular consequence: missense variant. On other transcripts: intron variant (3).
Genome position (GRCh38, 1-based): chr4:157,361,081, G>T. VCF-style: chr4-157361081-G-T. GRCh37 (hg19) VCF-style: chr4-158282233-G-T.
Other names: c.2222G>T, p.Trp741Leu (NM_001379000.3); c.2151-457G>T (NM_001379001.3, NM_001083620.3); c.2292-457G>T (NM_000826.6); short protein forms W741L, W788L.
Identifiers: ClinVar variation 1064411 (VCV001064411.1), dbSNP rs2127000861, ClinGen allele CA358650500.

ClinVar aggregate classification (germline): Likely pathogenic (1 of 4 stars; one submission).

Conditions:
Neurodevelopmental disorder with language impairment and behavioral abnormalities. Also called: GRIA2-related neurodevelopmental disorder. Identifiers: MedGen C5394502, MONDO:0030060, OMIM 618917.

Submission:

SIB Swiss Institute of Bioinformatics
Classification: Likely pathogenic for Neurodevelopmental disorder with language impairment and behavioral abnormalities. Last evaluated: 2021-04-01. Review status: criteria provided, single submitter. Criteria: ACMG Guidelines, 2015. Collection method: curation. Allele origin: unknown.
Comment: This variant is interpreted as a likely pathogenic for Neurodevelopmental disorder with language impairment and behavioral abnormalities, autosomal dominant. The following ACMG Tag(s) were applied: Absent from controls (or at extremely low frequency if recessive) in Exome Sequencing Project, 1000 Genomes Project, or Exome Aggregation Consortium (PM2); De novo (paternity and maternity confirmed) (PS2 downgraded to moderate); Multiple lines of computational evidence support a deleterious effect on the gene or gene product (PP3); Missense variant in a gene that has a low rate of benign missense variation and in which missense variants are a common mechanism of disease (PP2).

Literature cited by the submitters: PubMed 31300657.